The following is an entry in ClinVar:

NM_030773.4(TUBB1):c.978G>A (p.Val326=)

Gene: TUBB1 (tubulin beta 1 class VI; plus strand). Cytogenetic location: 20q13.32.
Variant type: single nucleotide variant.
Coding change: c.978G>A on transcript NM_030773.4 (MANE Select); coding-DNA position 978, G replaced by A.
Protein change: p.Val326=; no amino-acid change (valine 326 retained).
Molecular consequence: synonymous variant.
Genome position (GRCh38, 1-based): chr20:59,024,405, G>A. VCF-style: chr20-59024405-G-A. GRCh37 (hg19) VCF-style: chr20-57599460-G-A.
Identifiers: ClinVar variation 4990939 (VCV004990939.1).
Genomic context (GRCh38, chr20:59,024,405, plus strand): 5'-CCGTGGCCGCTACCTCACAGTGGCCTGCATTTTCCGGGGCAAGATGTCCACCAAGGAAGT[G>A]GACCAGCAACTGCTCTCCGTGCAGACCAGGAACAGCAGCTGCTTTGTGGAGTGGATTCCC-3'
Protein context (NP_110400.1, residues 316-336): IFRGKMSTKE[Val326=]DQQLLSVQTR

ClinVar aggregate classification (germline): Likely benign (1 of 4 stars; one submission).

Conditions:
TUBB1-related disorder. Also called: TUBB1-related condition.

gnomAD v4.1: 1 of 1,614,204 alleles (0.000062%); highest among the groups gnomAD compares: Non-Finnish European, 0.000085%; no homozygotes.

Submission:

PreventionGenetics, part of Exact Sciences
Classification: Likely benign for TUBB1-related condition. Last evaluated: 2026-07-23. Review status: criteria provided, single submitter. Criteria: ACMG Guidelines, 2015. Collection method: clinical testing. Allele origin: germline.
Comment: This variant is classified as likely benign based on ACMG/AMP sequence variant interpretation guidelines (Richards et al. 2015 PMID: 25741868, with internal and published modifications).